The following is an entry in ClinVar:

NM_012310.5(KIF4A):c.1265T>G (p.Leu422Trp)

Gene: KIF4A (kinesin family member 4A; plus strand). Cytogenetic location: Xq13.1.
Variant type: single nucleotide variant.
Coding change: c.1265T>G on transcript NM_012310.5 (MANE Select); coding-DNA position 1265, T replaced by G.
Protein change: p.Leu422Trp; replaces leucine 422 with tryptophan.
Molecular consequence: missense variant.
Genome position (GRCh38, 1-based): chrX:70,341,930, T>G. VCF-style: chrX-70341930-T-G. GRCh37 (hg19) VCF-style: chrX-69561780-T-G.
Other names: short protein forms L422W.
Identifiers: ClinVar variation 3056034 (VCV003056034.2), dbSNP rs1199457, ClinGen allele CA10441104.

ClinVar aggregate classification (germline): Benign (0 of 4 stars; one submission).

Conditions:
KIF4A-related disorder. Also called: KIF4A-related condition.

Allele frequency attached by ClinVar (database versions not stated): gnomAD exomes 0.04705; ExAC 0.06849; 1000 Genomes Project 0.11947; 1000 Genomes Project 30x 0.12653; gnomAD 0.12664; TOPMed 0.14001; ESP Exome Variant Server 0.15677.
gnomAD v4.1: 66,076 of 1,205,443 alleles (5.5%); highest among the groups gnomAD compares: African/African-American, 35%; 3,378 homozygotes.

Submission:

PreventionGenetics, part of Exact Sciences
Classification: Benign for KIF4A-related condition. Last evaluated: 2019-03-07. Review status: no assertion criteria provided. Collection method: clinical testing. Allele origin: germline.
Comment: This variant is classified as benign based on ACMG/AMP sequence variant interpretation guidelines (Richards et al. 2015 PMID: 25741868, with internal and published modifications).